The following is an entry in ClinVar:

NM_005045.4(RELN):c.5166C>G (p.Phe1722Leu)

Gene: RELN (reelin; minus strand). Cytogenetic location: 7q22.1.
Variant type: single nucleotide variant.
Coding change: c.5166C>G on transcript NM_005045.4 (MANE Select); coding-DNA position 5166, C replaced by G.
Protein change: p.Phe1722Leu; replaces phenylalanine 1722 with leucine.
Molecular consequence: missense variant.
Genome position (GRCh38, 1-based): chr7:103,565,322, G>C on the plus strand (C>G on the coding strand, the complement: RELN is on the minus strand). VCF-style: chr7-103565322-G-C. GRCh37 (hg19) VCF-style: chr7-103205769-G-C.
Other names: c.5166C>G, p.Phe1722Leu (NM_173054.3); short protein forms F1722L.
Identifiers: ClinVar variation 358396 (VCV000358396.12), dbSNP rs886061856, ClinGen allele CA10627837.

ClinVar aggregate classification (germline): Uncertain significance. Review status: criteria provided, multiple submitters, no conflicts (2 of 4 stars). 2 submissions from 2 submitters: Uncertain significance (2). Last evaluated 2021-03-13.

Conditions:
Norman-Roberts syndrome (LIS2). Also called: Lissencephaly 2 (Norman-Roberts type). Identifiers: Orphanet 89844, MedGen C0796089, MONDO:0009760, OMIM 257320.
Familial temporal lobe epilepsy 7. Identifiers: Orphanet 101046, MedGen C4225327, MONDO:0014639, OMIM 616436.

Allele frequency attached by ClinVar (database versions not stated): TOPMed below 0.00001; gnomAD 0.00001; gnomAD exomes 0.00001.
gnomAD v4.1: 21 of 1,613,972 alleles (0.0013%); highest among the groups gnomAD compares: Non-Finnish European, 0.0018%; no homozygotes.

Submissions (2):

Labcorp Genetics (formerly Invitae), Labcorp
Classification: Uncertain significance for Familial temporal lobe epilepsy 7; Norman-Roberts syndrome. Last evaluated: 2021-03-13. Review status: criteria provided, single submitter. Criteria: Invitae Variant Classification Sherloc (09022015). Collection method: clinical testing. Allele origin: germline.
Comment: In summary, the available evidence is currently insufficient to determine the role of this variant in disease. Therefore, it has been classified as a Variant of Uncertain Significance. Algorithms developed to predict the effect of missense changes on protein structure and function do not agree on the potential impact of this missense change (SIFT: "Deleterious"; PolyPhen-2: "Benign"; Align-GVGD: "Class C0"). This variant has not been reported in the literature in individuals with RELN-related disease. ClinVar contains an entry for this variant (Variation ID: 358396). This variant is not present in population databases (ExAC no frequency). This sequence change replaces phenylalanine with leucine at codon 1722 of the RELN protein (p.Phe1722Leu). The phenylalanine residue is highly conserved and there is a small physicochemical difference between phenylalanine and leucine.

Illumina Laboratory Services, Illumina
Classification: Uncertain significance for Norman-Roberts syndrome. Last evaluated: 2018-01-12. Review status: criteria provided, single submitter. Criteria: ICSL Variant Classification Criteria 13 December 2019. Collection method: clinical testing. Allele origin: germline.